The following is an entry in ClinVar:

NC_000001.10:g.(?_161310374)_(161332308_?)del

Gene: SDHC (succinate dehydrogenase complex subunit C; plus strand). Cytogenetic location: 1q23.3.
Variant type: Deletion.
Identifiers: ClinVar variation 1443862 (VCV001443862.15).

ClinVar aggregate classification (germline): Pathogenic (1 of 4 stars; one submission).

Conditions:
Gastrointestinal stromal tumor. Also called: Gastrointestinal stroma tumor; Gastrointestinal stromal tumor, somatic. Identifiers: Orphanet 44890, MedGen C0238198, MeSH D046152, MONDO:0011719, OMIM 606764, HP:0100723.
Pheochromocytoma/paraganglioma syndrome 3. Also called: GLOMUS TUMORS, FAMILIAL, 3; SDHC-Related Hereditary Paraganglioma-Pheochromocytoma Syndrome; Paragangliomas 3; SDHC-Related Hereditary Paraganglioma-Pheochromocytoma Syndrome (Paragangliomas 3). Identifiers: Orphanet 29072, MedGen C1854336, MONDO:0011544, OMIM 605373.

Submission:

Labcorp Genetics (formerly Invitae), Labcorp
Classification: Pathogenic for Pheochromocytoma/paraganglioma syndrome 3; Gastrointestinal stromal tumor. Last evaluated: 2021-04-26. Review status: criteria provided, single submitter. Criteria: Invitae Variant Classification Sherloc (09022015). Collection method: clinical testing. Allele origin: germline.
Comment: For these reasons, this variant has been classified as Pathogenic. The region of the SDHC gene that includes exon(s) 6 has been determined to be clinically significant (PMID: 15342702). Therefore, deletions that encompass that region are likely to disrupt protein function and cause disease. This variant has been observed in individual(s) with paraganglioma (PMID: 19351833). This variant is a gross deletion of the genomic region encompassing exon(s) 4-6 of the SDHC gene. The 5' boundary is likely confined to intron 3. The 3' end of this event is unknown as it extends through the termination codon beyond the assayed region for this gene and may encompass additional genes. While this deletion is not anticipated to lead to nonsense mediated decay, it is expected to alter mRNA translation or result in a truncated protein product.

Literature cited by the submitters: PubMed 15342702; PubMed 19351833.